The following is an entry in ClinVar:

ClinVar aggregate classification (germline): Uncertain significance. Review status: criteria provided, multiple submitters, no conflicts (2 of 4 stars). 5 submissions from 5 submitters: Uncertain significance (5). Last evaluated 2026-08-07.

Conditions:
TMC1-related disorder. Also called: TMC1-related condition; TMC1-related disorders.
Inborn genetic diseases. Identifiers: MedGen C0950123, MeSH D030342.

Allele frequency attached by ClinVar (database versions not stated): ExAC 0.00002; gnomAD exomes 0.00003 and 0.00009; gnomAD 0.00007; TOPMed 0.00009.

Submissions (5):

PreventionGenetics, part of Exact Sciences
Classification: Uncertain significance for TMC1-related condition. Last evaluated: 2026-08-07. Review status: criteria provided, single submitter. Criteria: ACMG Guidelines, 2015. Collection method: clinical testing. Allele origin: germline.
Comment: The TMC1 c.1018A>G variant is predicted to result in the amino acid substitution p.Met340Val. To our knowledge, this variant has not been reported in the literature. This variant is reported in 0.0085% of alleles in individuals of Latino descent in gnomAD. At this time, the clinical significance of this variant is uncertain due to the absence of conclusive functional and genetic evidence.

Ambry Genetics
Classification: Uncertain significance for Inborn genetic diseases. Last evaluated: 2025-07-22. Review status: criteria provided, single submitter. Criteria: Ambry Variant Classification Scheme 2023. Collection method: clinical testing. Allele origin: germline.

Blueprint Genetics
Classification: Uncertain significance. Last evaluated: 2023-10-23. Review status: criteria provided, single submitter. Criteria: ACMG Guidelines, 2015. Collection method: clinical testing. Allele origin: germline.

Labcorp Genetics (formerly Invitae), Labcorp
Classification: Uncertain significance. Last evaluated: 2022-10-30. Review status: criteria provided, single submitter. Criteria: Invitae Variant Classification Sherloc (09022015). Collection method: clinical testing. Allele origin: germline.
Comment: This sequence change replaces methionine, which is neutral and non-polar, with valine, which is neutral and non-polar, at codon 340 of the TMC1 protein (p.Met340Val). This variant is present in population databases (rs771281791, gnomAD 0.009%). This variant has not been reported in the literature in individuals affected with TMC1-related conditions. ClinVar contains an entry for this variant (Variation ID: 229313). Advanced modeling of protein sequence and biophysical properties (such as structural, functional, and spatial information, amino acid conservation, physicochemical variation, residue mobility, and thermodynamic stability) performed at Invitae indicates that this missense variant is not expected to disrupt TMC1 protein function. In summary, the available evidence is currently insufficient to determine the role of this variant in disease. Therefore, it has been classified as a Variant of Uncertain Significance.

Laboratory for Molecular Medicine, Mass General Brigham Personalized Medicine
Classification: Uncertain significance. Last evaluated: 2014-12-19. Review status: criteria provided, single submitter. Criteria: LMM Criteria. Collection method: clinical testing. Allele origin: germline. Observed: 1 variant allele.
Comment: The p.Met340Val variant in TMC1 has not been previously reported in individuals with hearing loss, but has been identified in 2/11550 Latino chromosomes by the Exome Aggregation Consortium (ExAC). Computation al prediction tools and conservation analyses suggest that the p.Met340Val varia nt may not impact the protein, though this information is not predictive enough to rule out pathogenicity. In summary, the clinical significance of the p.Met340 Val variant is uncertain.

NM_138691.3(TMC1):c.1018A>G (p.Met340Val)

Gene: TMC1 (transmembrane channel like 1; plus strand). Cytogenetic location: 9q21.13.
Variant type: single nucleotide variant.
Coding change: c.1018A>G on transcript NM_138691.3 (MANE Select); coding-DNA position 1018, A replaced by G.
Protein change: p.Met340Val; replaces methionine 340 with valine.
Molecular consequence: missense variant.
Genome position (GRCh38, 1-based): chr9:72,788,472, A>G. VCF-style: chr9-72788472-A-G. GRCh37 (hg19) VCF-style: chr9-75403388-A-G.
Other names: short protein forms M340V.
Identifiers: ClinVar variation 229313 (VCV000229313.10), dbSNP rs771281791, ClinGen allele CA5081847.
Genomic context (GRCh38, chr9:72,788,472, plus strand): 5'-AGCTGGGACTACCTGATCGGCAATCCTGAAACAGCAGACAACAAATTTAATTCTATCACA[A>G]TGAACTTTAAGGTAGAGGCACCAACTTCAAAAACCTGCTGTTTGTATTTCTAAGAGTAAA-3'
Protein context (NP_619636.2, residues 330-350): TADNKFNSIT[Met340Val]NFKEAITEEK